The following is an entry in ClinVar:

NM_003477.3(PDHX):c.674C>T (p.Thr225Met)

Gene: PDHX (pyruvate dehydrogenase complex component X; plus strand). Cytogenetic location: 11p13.
Variant type: single nucleotide variant.
Coding change: c.674C>T on transcript NM_003477.3 (MANE Select); coding-DNA position 674, C replaced by T.
Protein change: p.Thr225Met; replaces threonine 225 with methionine.
Molecular consequence: missense variant. On other transcripts: intron variant (1).
Genome position (GRCh38, 1-based): chr11:34,966,672, C>T. VCF-style: chr11-34966672-C-T. GRCh37 (hg19) VCF-style: chr11-34988219-C-T.
Other names: p.T225M:ACG>ATG; c.494C>T, p.Thr165Met (NM_001135024.2); c.343-17898C>T (NM_001166158.2); short protein forms T225M, T165M.
Identifiers: ClinVar variation 214956 (VCV000214956.55), dbSNP rs148645836, ClinGen allele CA320862.

ClinVar aggregate classification (germline): Conflicting classifications of pathogenicity. Review status: criteria provided, conflicting classifications (1 of 4 stars). 6 submissions from 6 submitters: Uncertain significance (5); Likely benign (1). Last evaluated 2025-12-09.

Conditions:
Pyruvate dehydrogenase E3-binding protein deficiency (PDHXD). Also called: Lacticacidemia due to PDX1 deficiency; LACTIC ACIDEMIA DUE TO DEFECT IN LIPOYL-CONTAINING COMPONENT X OF THE PYRUVATE DEHYDROGENASE COMPLEX; E3-Binding Protein (Component X) Deficiency; PYRUVATE HYDROGENASE E3-BINDING PROTEIN DEFICIENCY. Identifiers: Orphanet 255182, MedGen C1855553, MONDO:0009503, OMIM 245349.

Allele frequency attached by ClinVar (database versions not stated): TOPMed 0.00041; gnomAD 0.00049 and 0.00050; ESP Exome Variant Server 0.00054; gnomAD exomes 0.00057; ExAC 0.00068.
gnomAD v4.1: 1,232 of 1,614,000 alleles (0.076%); highest among the groups gnomAD compares: Non-Finnish European, 0.099%; 1 homozygote.

Submissions (6):

GeneDx
Classification: Uncertain significance. Last evaluated: 2025-12-09. Review status: criteria provided, single submitter. Criteria: GeneDx Variant Classification Process June 2021. Collection method: clinical testing. Allele origin: germline. Affected: yes.
Comment: In silico analysis suggests that this missense variant does not alter protein structure/function; Has not been previously published as pathogenic or benign to our knowledge

Blueprint Genetics
Classification: Likely benign. Last evaluated: 2024-10-17. Review status: criteria provided, single submitter. Criteria: ACMG Guidelines, 2015. Collection method: clinical testing. Allele origin: germline.

Labcorp Genetics (formerly Invitae), Labcorp
Classification: Uncertain significance. Last evaluated: 2022-07-25. Review status: criteria provided, single submitter. Criteria: Invitae Variant Classification Sherloc (09022015). Collection method: clinical testing. Allele origin: germline.
Comment: This sequence change replaces threonine, which is neutral and polar, with methionine, which is neutral and non-polar, at codon 225 of the PDHX protein (p.Thr225Met). This variant is present in population databases (rs148645836, gnomAD 0.1%), and has an allele count higher than expected for a pathogenic variant. This variant has not been reported in the literature in individuals affected with PDHX-related conditions. ClinVar contains an entry for this variant (Variation ID: 214956). Algorithms developed to predict the effect of missense changes on protein structure and function output the following: SIFT: "Tolerated"; PolyPhen-2: "Benign"; Align-GVGD: "Class C0". The methionine amino acid residue is found in multiple mammalian species, which suggests that this missense change does not adversely affect protein function. In summary, the available evidence is currently insufficient to determine the role of this variant in disease. Therefore, it has been classified as a Variant of Uncertain Significance.

Department of Pathology and Laboratory Medicine, Sinai Health System
Classification: Uncertain significance for Pyruvate dehydrogenase E3-binding protein deficiency. Last evaluated: 2021-12-08. Review status: criteria provided, single submitter. Criteria: ACMG Guidelines, 2015. Collection method: research. Allele origin: germline.

Illumina Laboratory Services, Illumina
Classification: Uncertain significance for Pyruvate dehydrogenase E3-binding protein deficiency. Last evaluated: 2018-01-13. Review status: criteria provided, single submitter. Criteria: ICSL Variant Classification Criteria 13 December 2019. Collection method: clinical testing. Allele origin: germline.

CeGaT Center for Human Genetics Tuebingen
Classification: Uncertain significance. Last evaluated: 2016-11-01. Review status: criteria provided, single submitter. Criteria: CeGaT Center For Human Genetics Tuebingen Variant Classification Criteria Version 2. Collection method: clinical testing. Allele origin: germline. Affected: yes. Observed: 1 variant allele.